The following is an entry in ClinVar:

ClinVar aggregate classification (germline): Uncertain significance (1 of 4 stars; one submission).

Submission:

Ambry Genetics
Classification: Uncertain significance. Last evaluated: 2024-11-21. Review status: criteria provided, single submitter. Criteria: Ambry Variant Classification Scheme 2023. Collection method: clinical testing. Allele origin: germline.
Comment: The p.V74M variant (also known as c.220G>A), located in coding exon 1 of the TET2 gene, results from a G to A substitution at nucleotide position 220. The valine at codon 74 is replaced by methionine, an amino acid with highly similar properties. This amino acid position is conserved. In addition, this alteration is predicted to be tolerated by in silico analysis. Based on the available evidence, the clinical significance of this variant remains unclear.

NM_001127208.3(TET2):c.220G>A (p.Val74Met)

Genes: TET2 (tet methylcytosine dioxygenase 2; plus strand), TET2-AS1 (TET2 antisense RNA 1; minus strand). Cytogenetic location: 4q24.
Variant type: single nucleotide variant.
Coding change: c.220G>A on transcript NM_001127208.3 (MANE Select); coding-DNA position 220, G replaced by A.
Protein change: p.Val74Met; replaces valine 74 with methionine.
Molecular consequence: missense variant.
Genome position (GRCh38, 1-based): chr4:105,234,162, G>A. VCF-style: chr4-105234162-G-A. GRCh37 (hg19) VCF-style: chr4-106155319-G-A.
Other names: c.220G>A, p.Val74Met (NM_017628.4); short protein forms V74M.
Identifiers: ClinVar variation 3455306 (VCV003455306.1).
Genomic context (GRCh38, chr4:105,234,162, plus strand): 5'-TGGCACTCTTTCAAAAGTTATTATGGAATACCCTGTATGAAGGGAAGCCAGAATAGTCGT[G>A]TGAGTCCTGACTTTACACAAGAAAGTAGAGGGTATTCCAAGTGTTTGCAAAATGGAGGAA-3'
Protein context (NP_001120680.1, residues 64-84): PCMKGSQNSR[Val74Met]SPDFTQESRG